The following is an entry in ClinVar:

ClinVar aggregate classification (germline): Uncertain significance. Review status: criteria provided, multiple submitters, no conflicts (2 of 4 stars). 3 submissions from 3 submitters: Uncertain significance (3). Last evaluated 2025-09-02.

Conditions:
Hereditary cancer-predisposing syndrome. Also called: Tumor predisposition; Hereditary neoplastic syndrome; Hereditary Cancer Syndrome; Neoplastic Syndromes, Hereditary. Identifiers: Orphanet 140162, MedGen C0027672, MeSH D009386, MONDO:0015356.

Allele frequency attached by ClinVar (database versions not stated): gnomAD 0.00001.
gnomAD v4.1: 1 of 1,613,330 alleles (0.000062%); highest among the groups gnomAD compares: African/African-American, 0.0013%; no homozygotes.

Submissions (3):

Labcorp Genetics (formerly Invitae), Labcorp
Classification: Uncertain significance. Last evaluated: 2025-09-02. Review status: criteria provided, single submitter. Criteria: Invitae Variant Classification Sherloc (09022015). Collection method: clinical testing. Allele origin: germline.
Comment: This sequence change replaces arginine, which is basic and polar, with glycine, which is neutral and non-polar, at codon 229 of the HOXB13 protein (p.Arg229Gly). This variant is present in population databases (no rsID available, gnomAD 0.01%). This missense change has been observed in individual(s) with prostate cancer (PMID: 22236224). ClinVar contains an entry for this variant (Variation ID: 963681). Invitae Evidence Modeling of protein sequence and biophysical properties (such as structural, functional, and spatial information, amino acid conservation, physicochemical variation, residue mobility, and thermodynamic stability) indicates that this missense variant is not expected to disrupt HOXB13 protein function with a negative predictive value of 80%. In summary, the available evidence is currently insufficient to determine the role of this variant in disease. Therefore, it has been classified as a Variant of Uncertain Significance.

Ambry Genetics
Classification: Uncertain significance for Hereditary cancer-predisposing syndrome. Last evaluated: 2024-11-08. Review status: criteria provided, single submitter. Criteria: Ambry Variant Classification Scheme 2023. Collection method: clinical testing. Allele origin: germline.
Comment: The p.R229G variant (also known as c.685C>G), located in coding exon 2 of the HOXB13 gene, results from a C to G substitution at nucleotide position 685. The arginine at codon 229 is replaced by glycine, an amino acid with dissimilar properties. This amino acid position is not well conserved in available vertebrate species. In addition, the in silico prediction for this alteration is inconclusive. Based on the available evidence, the clinical significance of this variant remains unclear.

GeneDx
Classification: Uncertain significance. Last evaluated: 2024-04-25. Review status: criteria provided, single submitter. Criteria: GeneDx Variant Classification Process June 2021. Collection method: clinical testing. Allele origin: germline. Affected: yes.
Comment: Not observed at significant frequency in large population cohorts (gnomAD); In silico analysis supports that this missense variant has a deleterious effect on protein structure/function; This variant is associated with the following publications: (PMID: 34609407, 22236224, 36315513, 35734583, 22841674, 23064873, 30181389, 19389631, 8756292, 28798948, 31137568, 29690565, 29638214, 31013831, Abumsimir2020[somatic], 33916521, 34617205)

Literature cited by the submitters: PubMed 22236224 (cited by Labcorp Genetics (formerly Invitae), Labcorp).

NM_006361.6(HOXB13):c.685C>G (p.Arg229Gly)

Gene: HOXB13 (homeobox B13; minus strand). Cytogenetic location: 17q21.32.
Variant type: single nucleotide variant.
Coding change: c.685C>G on transcript NM_006361.6 (MANE Select); coding-DNA position 685, C replaced by G.
Protein change: p.Arg229Gly; replaces arginine 229 with glycine.
Molecular consequence: missense variant.
Genome position (GRCh38, 1-based): chr17:48,726,960, G>C on the plus strand (C>G on the coding strand, the complement: HOXB13 is on the minus strand). VCF-style: chr17-48726960-G-C. GRCh37 (hg19) VCF-style: chr17-46804322-G-C.
Other names: short protein forms R229G.
Identifiers: ClinVar variation 963681 (VCV000963681.11), dbSNP rs529100627, ClinGen allele CA400106634.